The following is an entry in ClinVar:

NM_001356.5(DDX3X):c.1316_1317dup (p.Lys440fs)

Gene: DDX3X (DEAD-box helicase 3 X-linked; plus strand). Cytogenetic location: Xp11.4.
Variant type: Duplication.
Coding change: c.1316_1317dup on transcript NM_001356.5 (MANE Select); coding-DNA positions 1316 to 1317, 2 bases duplicated (GC; older notation c.1316_1317dupGC).
Protein change: p.Lys440fs; shifts the reading frame from lysine 440.
Molecular consequence: frameshift variant. On other transcripts: non-coding transcript variant (1).
Genome position (GRCh38, 1-based): chrX:41,346,229-41,346,230, GC duplicated. VCF-style (leftmost placement, unchanged base first): chrX-41346228-G-GGC. GRCh37 (hg19) VCF-style: chrX-41205481-G-GGC.
Other names: c.1316_1317dup, p.Lys440fs (NM_001193416.3); c.1268_1269dup, p.Lys424fs (NM_001193417.3); c.758_759dup, p.Lys254fs (NM_001363819.1); short protein forms K440fs, K254fs, K424fs.
Identifiers: ClinVar variation 2806647 (VCV002806647.3), dbSNP rs2519522630, ClinGen allele CA2739273412.
Genomic context (GRCh38, chrX:41,346,228, plus strand): 5'-CATAAGTGCAAAGAGAACTAAGCCATGTTAGTGACAAAAACCTATAATTTTTCAACGACA[G>GGC]GCAAGGATTCACTGACCTTAGTGTTTGTGGAGACCAAAAAGGGTGCAGATTCTCTGGAGG-3'

ClinVar aggregate classification (germline): Pathogenic (1 of 4 stars; one submission).

Submission:

Labcorp Genetics (formerly Invitae), Labcorp
Classification: Pathogenic. Last evaluated: 2025-11-03. Review status: criteria provided, single submitter. Criteria: Invitae Variant Classification Sherloc (09022015). Collection method: clinical testing. Allele origin: germline.
Comment: This sequence change creates a premature translational stop signal (p.Lys440Alafs*5) in the DDX3X gene. It is expected to result in an absent or disrupted protein product. Loss-of-function variants in DDX3X are known to be pathogenic (PMID: 26235985). This variant is not present in population databases (gnomAD no frequency). This variant has not been reported in the literature in individuals affected with DDX3X-related conditions. ClinVar contains an entry for this variant (Variation ID: 2806647). Algorithms developed to predict the effect of sequence changes on RNA splicing suggest that this variant may disrupt the consensus splice site. For these reasons, this variant has been classified as Pathogenic.

Literature cited by the submitters: PubMed 26235985.